The following is an entry in ClinVar:

NM_182700.6(SP8):c.798C>T (p.Leu266=)

Gene: SP8 (Sp8 transcription factor; minus strand). Cytogenetic location: 7p21.1.
Variant type: single nucleotide variant.
Coding change: c.798C>T on transcript NM_182700.6 (MANE Select); coding-DNA position 798, C replaced by T.
Protein change: p.Leu266=; no amino-acid change (leucine 266 retained).
Molecular consequence: synonymous variant.
Genome position (GRCh38, 1-based): chr7:20,785,019, G>A on the plus strand (C>T on the coding strand, the complement: SP8 is on the minus strand). VCF-style: chr7-20785019-G-A. GRCh37 (hg19) VCF-style: chr7-20824638-G-A.
Other names: c.744C>T, p.Leu248= (NM_198956.4).
Identifiers: ClinVar variation 709118 (VCV000709118.5), dbSNP rs369106522, ClinGen allele CA4177870.

ClinVar aggregate classification (germline): Benign. Review status: criteria provided, single submitter (1 of 4 stars). 2 submissions from 2 submitters: Benign (1). 1 of the submissions does not count toward it. Last evaluated 2018-08-20.

Conditions:
SP8-related disorder. Also called: SP8-related condition.

Allele frequency attached by ClinVar (database versions not stated): gnomAD exomes 0.00025 and 0.00061; ExAC 0.00100; ESP Exome Variant Server 0.00204; 1000 Genomes Project 0.00240; 1000 Genomes Project 30x 0.00250; gnomAD 0.00287 and 0.00318; TOPMed 0.00325.

Submissions (2):

Labcorp Genetics (formerly Invitae), Labcorp
Classification: Benign. Last evaluated: 2018-08-20. Review status: criteria provided, single submitter. Criteria: Invitae Variant Classification Sherloc (09022015). Collection method: clinical testing. Allele origin: germline.

PreventionGenetics, part of Exact Sciences
Classification: Benign for SP8-related condition. Last evaluated: 2019-05-09. Review status: no assertion criteria provided. Collection method: clinical testing. Allele origin: germline. Not counted in ClinVar's aggregate classification.
Comment: This variant is classified as benign based on ACMG/AMP sequence variant interpretation guidelines (Richards et al. 2015 PMID: 25741868, with internal and published modifications).